The following is an entry in ClinVar:

NM_005327.7(HADH):c.361G>A (p.Val121Met)

Gene: HADH (hydroxyacyl-CoA dehydrogenase; plus strand). Cytogenetic location: 4q25.
Variant type: single nucleotide variant.
Coding change: c.361G>A on transcript NM_005327.7 (MANE Select); coding-DNA position 361, G replaced by A.
Protein change: p.Val121Met; replaces valine 121 with methionine.
Molecular consequence: missense variant.
Genome position (GRCh38, 1-based): chr4:108,014,530, G>A. VCF-style: chr4-108014530-G-A. GRCh37 (hg19) VCF-style: chr4-108935686-G-A.
Other names: c.361G>A, p.Val121Met (NM_001184705.4); c.373G>A, p.Val125Met (NM_001331027.2); short protein forms V121M, V125M.
Identifiers: ClinVar variation 917462 (VCV000917462.7), dbSNP rs377615662, ClinGen allele CA3037438.

ClinVar aggregate classification (germline): Uncertain significance/Uncertain risk allele. Review status: criteria provided, multiple submitters, no conflicts (2 of 4 stars). 3 submissions from 3 submitters: Uncertain significance (2); Uncertain risk allele (1). Last evaluated 2022-03-31.

Conditions:
Hyperinsulinemic hypoglycemia. Also called: Hyperinsulinemia hypoglycemia; Hyperinsulinemic hypoglycemia (disease). Identifiers: Orphanet 443095, MedGen C1864903, MONDO:0005803, HP:0000825.
Deficiency of 3-hydroxyacyl-CoA dehydrogenase. Also called: HADH DEFICIENCY; 3-hydroxyacyl-CoA dehydrogenase deficiency. Identifiers: Orphanet 309127, Orphanet 71212, MedGen C1291230, MONDO:0017715, OMIM 231530.
Monogenic diabetes. Identifiers: Orphanet 183625, MedGen C3888631, MONDO:0015967.

Allele frequency attached by ClinVar (database versions not stated): gnomAD exomes 0.00004 and 0.00007; gnomAD 0.00006; TOPMed 0.00007; ExAC 0.00009; ESP Exome Variant Server 0.00015.
gnomAD v4.1: 60 of 1,614,008 alleles (0.0037%); highest among the groups gnomAD compares: Admixed American, 0.013%; no homozygotes.

Submissions (3):

Labcorp Genetics (formerly Invitae), Labcorp
Classification: Uncertain significance for Deficiency of 3-hydroxyacyl-CoA dehydrogenase. Last evaluated: 2022-03-31. Review status: criteria provided, single submitter. Criteria: Invitae Variant Classification Sherloc (09022015). Collection method: clinical testing. Allele origin: germline.
Comment: This sequence change replaces valine, which is neutral and non-polar, with methionine, which is neutral and non-polar, at codon 121 of the HADH protein (p.Val121Met). This variant is present in population databases (rs377615662, gnomAD 0.01%). This variant has not been reported in the literature in individuals affected with HADH-related conditions. ClinVar contains an entry for this variant (Variation ID: 917462). Algorithms developed to predict the effect of missense changes on protein structure and function are either unavailable or do not agree on the potential impact of this missense change (SIFT: "Deleterious"; PolyPhen-2: "Benign"; Align-GVGD: "Class C0"). In summary, the available evidence is currently insufficient to determine the role of this variant in disease. Therefore, it has been classified as a Variant of Uncertain Significance.

Personalized Diabetes Medicine Program, University of Maryland School of Medicine
Classification: Uncertain significance for Monogenic diabetes. Last evaluated: 2018-11-21. Review status: criteria provided, single submitter. Criteria: ACMG Guidelines, 2015. Collection method: research. Allele origin: unknown. Observed: 1 variant allele, 1 heterozygote.
Comment: ACMG criteria: (nothing) = VUS (REVEL 0.617 + PP3/10 predictors = conflicting evidence, not using) Note: LOF variants cause AR congenital HI, thought is that GOF mutations could cause diabetes but we don't have functional data on this variant.

Clinical Genomics, Uppaluri K&H Personalized Medicine Clinic
Classification: Uncertain risk allele for Hyperinsulinemic hypoglycemia. Review status: criteria provided, single submitter. Criteria: K & H Uppaluri Personalized Medicine Clinic Variant Classification & Assertion Criteria_Updated V.1. Collection method: research. Allele origin: unknown. Inheritance: Autosomal recessive inheritance.
Comment: Potent mutations in HADH gene are associated with congenital hyperinsulinism, which leads to recurrent hypoglycemia. The condition is exacerbated by stress, fasting or excessive dietary protein. May respond well to diazoxide. However, the role of this particular variant rs377615662 in congenital hyperinsulinism is yet to be ascertained.

Literature cited by the submitters: PubMed 34547194 (cited by Clinical Genomics, Uppaluri K&H Personalized Medicine Clinic); PubMed 34055426 (cited by Clinical Genomics, Uppaluri K&H Personalized Medicine Clinic); PubMed 29280746 (cited by Clinical Genomics, Uppaluri K&H Personalized Medicine Clinic).